The following is an entry in ClinVar:

ClinVar aggregate classification (germline): Uncertain significance. Review status: criteria provided, multiple submitters, no conflicts (2 of 4 stars). 2 submissions from 2 submitters: Uncertain significance (2). Last evaluated 2025-09-30.

Conditions:
Hereditary cancer-predisposing syndrome. Also called: Hereditary neoplastic syndrome; Neoplastic Syndromes, Hereditary; Tumor predisposition; Hereditary Cancer Syndrome. Identifiers: Orphanet 140162, MedGen C0027672, MeSH D009386, MONDO:0015356.

Allele frequency attached by ClinVar (database versions not stated): gnomAD exomes below 0.00001.

Submissions (2):

Labcorp Genetics (formerly Invitae), Labcorp
Classification: Uncertain significance. Last evaluated: 2025-09-30. Review status: criteria provided, single submitter. Criteria: Invitae Variant Classification Sherloc (09022015). Collection method: clinical testing. Allele origin: germline.
Comment: This sequence change replaces tyrosine, which is neutral and polar, with asparagine, which is neutral and polar, at codon 48 of the HOXB13 protein (p.Tyr48Asn). This variant is not present in population databases (gnomAD no frequency). This variant has not been reported in the literature in individuals affected with HOXB13-related conditions. ClinVar contains an entry for this variant (Variation ID: 1005531). An algorithm developed to predict the effect of missense changes on protein structure and function (PolyPhen-2) suggests that this variant is likely to be disruptive. In summary, the available evidence is currently insufficient to determine the role of this variant in disease. Therefore, it has been classified as a Variant of Uncertain Significance.

Ambry Genetics
Classification: Uncertain significance for Hereditary cancer-predisposing syndrome. Last evaluated: 2024-12-22. Review status: criteria provided, single submitter. Criteria: Ambry Variant Classification Scheme 2023. Collection method: clinical testing. Allele origin: germline.
Comment: The p.Y48N variant (also known as c.142T>A), located in coding exon 1 of the HOXB13 gene, results from a T to A substitution at nucleotide position 142. The tyrosine at codon 48 is replaced by asparagine, an amino acid with dissimilar properties. This amino acid position is conserved. In addition, this alteration is predicted to be tolerated by in silico analysis. Based on the available evidence, the clinical significance of this variant remains unclear.

NM_006361.6(HOXB13):c.142T>A (p.Tyr48Asn)

Gene: HOXB13 (homeobox B13; minus strand). Cytogenetic location: 17q21.32.
Variant type: single nucleotide variant.
Coding change: c.142T>A on transcript NM_006361.6 (MANE Select); coding-DNA position 142, T replaced by A.
Protein change: p.Tyr48Asn; replaces tyrosine 48 with asparagine.
Molecular consequence: missense variant.
Genome position (GRCh38, 1-based): chr17:48,728,452, A>T on the plus strand (T>A on the coding strand, the complement: HOXB13 is on the minus strand). VCF-style: chr17-48728452-A-T. GRCh37 (hg19) VCF-style: chr17-46805814-A-T.
Other names: c.142T>A (NM_006361.5); short protein forms Y48N.
Identifiers: ClinVar variation 1005531 (VCV001005531.9), dbSNP rs2038240328, ClinGen allele CA400109153.